The following is an entry in ClinVar:

NM_182961.4(SYNE1):c.22163C>T (p.Thr7388Ile)

Gene: SYNE1 (spectrin repeat containing nuclear envelope protein 1; minus strand). Cytogenetic location: 6q25.2.
Variant type: single nucleotide variant.
Coding change: c.22163C>T on transcript NM_182961.4 (MANE Select); coding-DNA position 22163, C replaced by T.
Protein change: p.Thr7388Ile; replaces threonine 7388 with isoleucine.
Molecular consequence: missense variant.
Genome position (GRCh38, 1-based): chr6:152,218,285, G>A on the plus strand (C>T on the coding strand, the complement: SYNE1 is on the minus strand). VCF-style: chr6-152218285-G-A. GRCh37 (hg19) VCF-style: chr6-152539420-G-A.
Other names: c.21950C>T, p.Thr7317Ile (NM_033071.5); short protein forms T7317I, T7388I.
Identifiers: ClinVar variation 1409717 (VCV001409717.7), dbSNP rs938003229, ClinGen allele CA150180226.

ClinVar aggregate classification (germline): Uncertain significance (1 of 4 stars; one submission).

Conditions:
Emery-Dreifuss muscular dystrophy 4, autosomal dominant (EDMD4). Also called: EMERY-DREIFUSS MUSCULAR DYSTROPHY 4 WITH VARIABLE FEATURES. Identifiers: Orphanet 261, MedGen C2751807, MONDO:0013071, OMIM 612998.
Autosomal recessive ataxia, Beauce type. Also called: SYNE1-Related Autosomal Recessive Cerebellar Ataxia; Spinocerebellar ataxia, autosomal recessive 8; ATAXIA, RECESSIVE, OF BEAUCE; SYNE1 Deficiency. Identifiers: Orphanet 88644, MedGen C1853116, MONDO:0012549, OMIM 610743.

Allele frequency attached by ClinVar (database versions not stated): gnomAD 0.00001; gnomAD exomes 0.00001 and 0.00002; TOPMed 0.00001.
gnomAD v4.1: 6 of 1,613,916 alleles (0.00037%); highest among the groups gnomAD compares: Admixed American, 0.01%; no homozygotes.

Submission:

Labcorp Genetics (formerly Invitae), Labcorp
Classification: Uncertain significance for Emery-Dreifuss muscular dystrophy 4, autosomal dominant; Autosomal recessive ataxia, Beauce type. Last evaluated: 2022-06-21. Review status: criteria provided, single submitter. Criteria: Invitae Variant Classification Sherloc (09022015). Collection method: clinical testing. Allele origin: germline.
Comment: In summary, the available evidence is currently insufficient to determine the role of this variant in disease. Therefore, it has been classified as a Variant of Uncertain Significance. Algorithms developed to predict the effect of missense changes on protein structure and function are either unavailable or do not agree on the potential impact of this missense change (SIFT: "Deleterious"; PolyPhen-2: "Benign"; Align-GVGD: "Class C15"). This variant has not been reported in the literature in individuals affected with SYNE1-related conditions. This variant is present in population databases (no rsID available, gnomAD 0.01%). This sequence change replaces threonine, which is neutral and polar, with isoleucine, which is neutral and non-polar, at codon 7317 of the SYNE1 protein (p.Thr7317Ile).